The following is an entry in ClinVar:

NM_025144.4(ALPK1):c.1093C>T (p.His365Tyr)

Gene: ALPK1 (alpha kinase 1; plus strand). Cytogenetic location: 4q25.
Variant type: single nucleotide variant.
Coding change: c.1093C>T on transcript NM_025144.4 (MANE Select); coding-DNA position 1093, C replaced by T.
Protein change: p.His365Tyr; replaces histidine 365 with tyrosine.
Molecular consequence: missense variant.
Genome position (GRCh38, 1-based): chr4:112,430,640, C>T. VCF-style: chr4-112430640-C-T. GRCh37 (hg19) VCF-style: chr4-113351796-C-T.
Other names: c.1093C>T, p.His365Tyr (NM_001102406.2); c.859C>T, p.His287Tyr (NM_001253884.2); short protein forms H365Y, H287Y.
Identifiers: ClinVar variation 1963817 (VCV001963817.5), dbSNP rs1367506752, ClinGen allele CA357893523.

ClinVar aggregate classification (germline): Uncertain significance (1 of 4 stars; one submission).

Allele frequency attached by ClinVar (database versions not stated): gnomAD 0.00001; TOPMed below 0.00001; gnomAD exomes below 0.00001.
gnomAD v4.1: 2 of 1,614,018 alleles (0.00012%); highest among the groups gnomAD compares: Admixed American, 0.0017%; no homozygotes.

Submission:

Labcorp Genetics (formerly Invitae), Labcorp
Classification: Uncertain significance. Last evaluated: 2025-06-23. Review status: criteria provided, single submitter. Criteria: Invitae Variant Classification Sherloc (09022015). Collection method: clinical testing. Allele origin: germline.
Comment: This sequence change replaces histidine, which is basic and polar, with tyrosine, which is neutral and polar, at codon 365 of the ALPK1 protein (p.His365Tyr). This variant is not present in population databases (gnomAD no frequency). This variant has not been reported in the literature in individuals affected with ALPK1-related conditions. ClinVar contains an entry for this variant (Variation ID: 1963817). Invitae Evidence Modeling of protein sequence and biophysical properties (such as structural, functional, and spatial information, amino acid conservation, physicochemical variation, residue mobility, and thermodynamic stability) indicates that this missense variant is not expected to disrupt ALPK1 protein function with a negative predictive value of 80%. In summary, the available evidence is currently insufficient to determine the role of this variant in disease. Therefore, it has been classified as a Variant of Uncertain Significance.